The following is an entry in ClinVar:

ClinVar aggregate classification (germline): Uncertain significance. Review status: criteria provided, multiple submitters, no conflicts (2 of 4 stars). 3 submissions from 3 submitters: Uncertain significance (2). 1 of the submissions does not count toward it. Last evaluated 2024-10-24.

Conditions:
Retinal dystrophy. Also called: Inherited retinal dystrophy. Identifiers: Orphanet 71862, MedGen C0854723, MeSH D058499, MONDO:0019118, HP:0000556.

Allele frequency attached by ClinVar (database versions not stated): gnomAD 0.00001; gnomAD exomes 0.00001; TOPMed 0.00001; ExAC 0.00002.

Submissions (3):

Labcorp Genetics (formerly Invitae), Labcorp
Classification: Uncertain significance. Last evaluated: 2024-10-24. Review status: criteria provided, single submitter. Criteria: Invitae Variant Classification Sherloc (09022015). Collection method: clinical testing. Allele origin: germline.
Comment: This sequence change replaces arginine, which is basic and polar, with histidine, which is basic and polar, at codon 129 of the SEMA4A protein (p.Arg129His). This variant is present in population databases (rs758376030, gnomAD 0.002%). This variant has not been reported in the literature in individuals affected with SEMA4A-related conditions. Invitae Evidence Modeling of protein sequence and biophysical properties (such as structural, functional, and spatial information, amino acid conservation, physicochemical variation, residue mobility, and thermodynamic stability) indicates that this missense variant is not expected to disrupt SEMA4A protein function with a negative predictive value of 80%. In summary, the available evidence is currently insufficient to determine the role of this variant in disease. Therefore, it has been classified as a Variant of Uncertain Significance.

Blueprint Genetics
Classification: Uncertain significance. Last evaluated: 2023-02-16. Review status: criteria provided, single submitter. Criteria: ACMG Guidelines, 2015. Collection method: clinical testing. Allele origin: germline.

Institute of Human Genetics, Univ. Regensburg, Univ. Regensburg
Classification: Uncertain significance for Retinal dystrophy. Last evaluated: 2021-01-01. Review status: no assertion criteria provided. Criteria: ACMG Guidelines, 2015. Collection method: clinical testing. Allele origin: germline. Affected: yes. Not counted in ClinVar's aggregate classification.

NM_022367.4(SEMA4A):c.386G>A (p.Arg129His)

Gene: SEMA4A (semaphorin 4A; plus strand). Cytogenetic location: 1q22.
Variant type: single nucleotide variant.
Coding change: c.386G>A on transcript NM_022367.4 (MANE Select); coding-DNA position 386, G replaced by A.
Protein change: p.Arg129His; replaces arginine 129 with histidine.
Molecular consequence: missense variant. On other transcripts: 5 prime UTR variant (2), intron variant (1).
Genome position (GRCh38, 1-based): chr1:156,158,410, G>A. VCF-style: chr1-156158410-G-A. GRCh37 (hg19) VCF-style: chr1-156128201-G-A.
Other names: c.386G>A, p.Arg129His (NM_001193300.2, NM_001193301.2, NM_001370567.1); c.89G>A, p.Arg30His (NM_001370568.1); c.-139G>A (NM_001370569.1, NM_001370571.1); c.66+278G>A (NM_001193302.2); short protein forms R30H, R129H.
Identifiers: ClinVar variation 2968274 (VCV002968274.5), dbSNP rs758376030, ClinGen allele CA1155023.